The following is an entry in ClinVar:

NM_005546.4(ITK):c.330G>A (p.Thr110=)

Gene: ITK (IL2 inducible T cell kinase; plus strand). Cytogenetic location: 5q33.3.
Variant type: single nucleotide variant.
Coding change: c.330G>A on transcript NM_005546.4 (MANE Select); coding-DNA position 330, G replaced by A.
Protein change: p.Thr110=; no amino-acid change (threonine 110 retained).
Molecular consequence: synonymous variant.
Genome position (GRCh38, 1-based): chr5:157,214,195, G>A. VCF-style: chr5-157214195-G-A. GRCh37 (hg19) VCF-style: chr5-156641206-G-A.
Identifiers: ClinVar variation 1123249 (VCV001123249.17), dbSNP rs1754250689, ClinGen allele CA447427748.

ClinVar aggregate classification (germline): Likely benign. Review status: criteria provided, multiple submitters, no conflicts (2 of 4 stars). 2 submissions from 2 submitters: Likely benign (2). Last evaluated 2025-12-21.

Conditions:
Lymphoproliferative syndrome 1 (LPFS1). Identifiers: Orphanet 238505, Orphanet 538963, MedGen C3552634, MONDO:0013081, OMIM 613011.

Allele frequency attached by ClinVar (database versions not stated): gnomAD 0.00001; gnomAD exomes 0.00001; TOPMed 0.00001.
gnomAD v4.1: 16 of 1,611,898 alleles (0.00099%); highest among the groups gnomAD compares: South Asian, 0.0022%; no homozygotes.

Submissions (2):

Labcorp Genetics (formerly Invitae), Labcorp
Classification: Likely benign for Lymphoproliferative syndrome 1. Last evaluated: 2025-12-21. Review status: criteria provided, single submitter. Criteria: Invitae Variant Classification Sherloc (09022015). Collection method: clinical testing. Allele origin: germline.

CeGaT Center for Human Genetics Tuebingen
Classification: Likely benign. Last evaluated: 2025-08-01. Review status: criteria provided, single submitter. Criteria: CeGaT Center For Human Genetics Tuebingen Variant Classification Criteria Version 2. Collection method: clinical testing. Allele origin: germline. Affected: yes. Observed: 1 variant allele.
Comment: ITK: BP4, BP7